The following is an entry in ClinVar:

ClinVar aggregate classification (germline): Conflicting classifications of pathogenicity. Review status: criteria provided, conflicting classifications (1 of 4 stars). 2 submissions from 2 submitters: Uncertain significance (1); Benign (1). Last evaluated 2026-02-01.

Allele frequency attached by ClinVar (database versions not stated): TOPMed 0.00032; gnomAD 0.00040; ESP Exome Variant Server 0.00062.
gnomAD v4.1: 1,172 of 1,613,688 alleles (0.073%); highest among the groups gnomAD compares: Non-Finnish European, 0.089%; 1 homozygote.

Submissions (2):

CeGaT Center for Human Genetics Tuebingen
Classification: Benign. Last evaluated: 2026-02-01. Review status: criteria provided, single submitter. Criteria: CeGaT Center For Human Genetics Tuebingen Variant Classification Criteria Version 2. Collection method: clinical testing. Allele origin: germline. Affected: yes. Observed: 1 variant allele.
Comment: RREB1: BP4, BS1, BS2

Ambry Genetics
Classification: Uncertain significance. Last evaluated: 2025-12-02. Review status: criteria provided, single submitter. Criteria: Ambry Variant Classification Scheme 2023. Collection method: clinical testing. Allele origin: germline.

NM_001003699.4(RREB1):c.3682G>A (p.Glu1228Lys)

Gene: RREB1 (ras responsive element binding protein 1; plus strand). Cytogenetic location: 6p24.3.
Variant type: single nucleotide variant.
Coding change: c.3682G>A on transcript NM_001003699.4 (MANE Select); coding-DNA position 3682, G replaced by A.
Protein change: p.Glu1228Lys; replaces glutamic acid 1228 with lysine.
Molecular consequence: missense variant.
Genome position (GRCh38, 1-based): chr6:7,231,781, G>A. VCF-style: chr6-7231781-G-A. GRCh37 (hg19) VCF-style: chr6-7232014-G-A.
Other names: c.3682G>A, p.Glu1228Lys (NM_001003698.4, NM_001003700.2, NM_001168344.2); short protein forms E1228K.
Identifiers: ClinVar variation 2342322 (VCV002342322.7), dbSNP rs141330588, ClinGen allele CA3626262.